The following is an entry in ClinVar:

NM_003136.4(SRP54):c.1328-3C>T

Gene: SRP54 (signal recognition particle 54; plus strand). Cytogenetic location: 14q13.2.
Variant type: single nucleotide variant.
Coding change: c.1328-3C>T on transcript NM_003136.4 (MANE Select); 3 bases into the intron before coding-DNA position 1328, C replaced by T.
Molecular consequence: intron variant.
Genome position (GRCh38, 1-based): chr14:35,028,085, C>T. VCF-style: chr14-35028085-C-T. GRCh37 (hg19) VCF-style: chr14-35497291-C-T.
Other names: c.1181-3C>T (NM_001146282.2).
Identifiers: ClinVar variation 2075419 (VCV002075419.4), dbSNP rs773853735, ClinGen allele CA7153852.

ClinVar aggregate classification (germline): Uncertain significance (1 of 4 stars; one submission).

Allele frequency attached by ClinVar (database versions not stated): gnomAD 0.00002; ExAC 0.00005.
gnomAD v4.1: 52 of 1,595,478 alleles (0.0033%); highest among the groups gnomAD compares: Non-Finnish European, 0.0042%; no homozygotes.

Submission:

Labcorp Genetics (formerly Invitae), Labcorp
Classification: Uncertain significance. Last evaluated: 2024-11-18. Review status: criteria provided, single submitter. Criteria: Invitae Variant Classification Sherloc (09022015). Collection method: clinical testing. Allele origin: germline.
Comment: This sequence change falls in intron 14 of the SRP54 gene. It does not directly change the encoded amino acid sequence of the SRP54 protein. It affects a nucleotide within the consensus splice site. This variant is present in population databases (rs773853735, gnomAD 0.006%). This variant has not been reported in the literature in individuals affected with SRP54-related conditions. ClinVar contains an entry for this variant (Variation ID: 2075419). Variants that disrupt the consensus splice site are a relatively common cause of aberrant splicing (PMID: 17576681, 9536098). Algorithms developed to predict the effect of sequence changes on RNA splicing suggest that this variant is not likely to affect RNA splicing. In summary, the available evidence is currently insufficient to determine the role of this variant in disease. Therefore, it has been classified as a Variant of Uncertain Significance.

Literature cited by the submitters: PubMed 17576681; PubMed 9536098.